The following is an entry in ClinVar:

NM_001851.6(COL9A1):c.1748G>T (p.Gly583Val)

Gene: COL9A1 (collagen type IX alpha 1 chain; minus strand). Cytogenetic location: 6q13.
Variant type: single nucleotide variant.
Coding change: c.1748G>T on transcript NM_001851.6 (MANE Select); coding-DNA position 1748, G replaced by T.
Protein change: p.Gly583Val; replaces glycine 583 with valine.
Molecular consequence: missense variant. On other transcripts: non-coding transcript variant (1).
Genome position (GRCh38, 1-based): chr6:70,253,401, C>A on the plus strand (G>T on the coding strand, the complement: COL9A1 is on the minus strand). VCF-style: chr6-70253401-C-A. GRCh37 (hg19) VCF-style: chr6-70963104-C-A.
Other names: c.1049G>T, p.Gly350Val (NM_001377289.1); c.1019G>T, p.Gly340Val (NM_001377290.1, NM_078485.4); short protein forms G340V, G350V, G583V.
Identifiers: ClinVar variation 4855704 (VCV004855704.1).
Genomic context (GRCh38, chr6:70,253,401, plus strand): 5'-AAGAAATTAAGAAAGATATTAACTTAAATTTTAAAATATTTTACCTTTTCACCAGCAACA[C>A]CCTTTGCACCAGGAATTCCAGGTACACCCTAAAAGAATACATACACAATCCTAGTTTAAT-3'
Protein context (NP_001842.3, residues 573-593): PGVPGIPGAK[Gly583Val]VAGEKGSTGA

ClinVar aggregate classification (germline): Uncertain significance (1 of 4 stars; one submission).

Conditions:
Epiphyseal dysplasia, multiple, 6. Also called: COL9A1-Related Multiple Epiphyseal Dysplasia. Identifiers: MedGen C2675767, MONDO:0013591, OMIM 614135.

gnomAD v4.1: 1 of 1,605,256 alleles (0.000062%); no homozygotes.

Submission:

3billion
Classification: Uncertain significance for Epiphyseal dysplasia, multiple, 6. Last evaluated: 2025-10-07. Review status: criteria provided, single submitter. Criteria: ACMG Guidelines, 2015. Collection method: clinical testing. Allele origin: germline. Affected: yes.
Comment: The variant is observed at an extremely low frequency in the gnomAD v4.1.0 dataset (total allele frequency: <0.001%). Predicted Consequence/Location: Missense variant. The majority of the known disease-causing variants of this gene are variants expected to result in premature termination of the protein. In silico tool prediction suggests damaging effect of the variant on gene or gene product [REVEL: 0.90 (>=0.6, sensitivity 0.68 and specificity 0.92)]. Different missense changes at the same codon have been reported as of uncertain significance (ClinVar ID: VCV001506469, VCV003779153). Therefore, this variant is classified as VUS according to the recommendation of ACMG/AMP guideline.